The following is an entry in ClinVar:

ClinVar aggregate classification (germline): Likely benign. Review status: criteria provided, multiple submitters, no conflicts (2 of 4 stars). 4 submissions from 4 submitters: Likely benign (4). Last evaluated 2025-11-15.

Allele frequency attached by ClinVar (database versions not stated): gnomAD exomes 0.00011 and 0.00003; ExAC 0.00003; TOPMed 0.00005; ESP Exome Variant Server 0.00008; gnomAD 0.00008.
gnomAD v4.1: 167 of 1,597,798 alleles (0.01%); highest among the groups gnomAD compares: Non-Finnish European, 0.014%; no homozygotes.

Submissions (4):

Labcorp Genetics (formerly Invitae), Labcorp
Classification: Likely benign. Last evaluated: 2025-11-15. Review status: criteria provided, single submitter. Criteria: Invitae Variant Classification Sherloc (09022015). Collection method: clinical testing. Allele origin: germline.

Blueprint Genetics
Classification: Likely benign. Last evaluated: 2024-11-26. Review status: criteria provided, single submitter. Criteria: ACMG Guidelines, 2015. Collection method: clinical testing. Allele origin: germline.

Athena Diagnostics
Classification: Likely benign. Last evaluated: 2024-11-25. Review status: criteria provided, single submitter. Criteria: Athena Diagnostics Criteria. Collection method: clinical testing. Allele origin: unknown.

Laboratory for Molecular Medicine, Mass General Brigham Personalized Medicine
Classification: Likely benign. Last evaluated: 2012-04-30. Review status: criteria provided, single submitter. Criteria: LMM Criteria. Collection method: clinical testing. Allele origin: germline. Observed: 1 variant allele.
Comment: Ser2755Ser in Exon 35 of GPR98: This variant is not expected to have clinical si gnificance because it does not alter an amino acid residue, is not located withi n the splice consensus sequence, and has been identified in 1/6554 European Amer ican chromosomes from a broad population by the NHLBI Exome Sequencing Project.

NM_032119.4(ADGRV1):c.8265C>T (p.Ser2755=)

Gene: ADGRV1 (adhesion G protein-coupled receptor V1; plus strand). Cytogenetic location: 5q14.3.
Variant type: single nucleotide variant.
Coding change: c.8265C>T on transcript NM_032119.4 (MANE Select); coding-DNA position 8265, C replaced by T.
Protein change: p.Ser2755=; no amino-acid change (serine 2755 retained).
Molecular consequence: synonymous variant. On other transcripts: non-coding transcript variant (1).
Genome position (GRCh38, 1-based): chr5:90,703,774, C>T. VCF-style: chr5-90703774-C-T. GRCh37 (hg19) VCF-style: chr5-89999591-C-T.
Identifiers: ClinVar variation 178362 (VCV000178362.16), dbSNP rs371820414, ClinGen allele CA182183.